The following is an entry in ClinVar:

NC_000007.14:g.(?_152648632)_(152649373_?)del

Gene: XRCC2 (X-ray repair cross complementing 2; minus strand). Cytogenetic location: 7q36.1.
Variant type: Deletion.
Identifiers: ClinVar variation 832603 (VCV000832603.1).

ClinVar aggregate classification (germline): Uncertain significance (1 of 4 stars; one submission).

Submission:

Labcorp Genetics (formerly Invitae), Labcorp
Classification: Uncertain significance. Last evaluated: 2019-03-07. Review status: criteria provided, single submitter. Criteria: Invitae Variant Classification Sherloc (09022015). Collection method: clinical testing. Allele origin: germline.
Comment: This variant is a gross deletion of the genomic region encompassing exon 3 of the XRCC2 gene. The 5' boundary is likely confined to intron 2. The 3' end of this event is unknown as it extends through the termination codon beyond the assayed region for this gene and may encompass additional genes. While this deletion is not anticipated to result in nonsense mediated decay, it is expected to create a truncated protein product or disrupt mRNA translation. A similar deletion of exon 3 of the XRCC2 gene has been reported in an individual affected with breast cancer (PMID: 26845104). The current clinical and genetic evidence is not sufficient to establish whether truncating variants in XRCC2 cause disease. In summary, the available evidence is currently insufficient to determine the role of this variant in disease. Therefore, it has been classified as a Variant of Uncertain Significance.

Literature cited by the submitters: PubMed 26845104.